The following is an entry in ClinVar:

NM_000059.4(BRCA2):c.7028A>T (p.Glu2343Val)

Gene: BRCA2 (BRCA2 DNA repair associated; plus strand). Cytogenetic location: 13q13.1.
Variant type: single nucleotide variant.
Coding change: c.7028A>T on transcript NM_000059.4 (MANE Select); coding-DNA position 7028, A replaced by T.
Protein change: p.Glu2343Val; replaces glutamic acid 2343 with valine.
Molecular consequence: missense variant.
Genome position (GRCh38, 1-based): chr13:32,354,881, A>T. VCF-style: chr13-32354881-A-T. GRCh37 (hg19) VCF-style: chr13-32929018-A-T.
Other names: short protein forms E2343V.
Identifiers: ClinVar variation 652997 (VCV000652997.9), dbSNP rs1593917618, ClinGen allele CA387794150.

ClinVar aggregate classification (germline): Uncertain significance (1 of 4 stars; one submission).

Conditions:
Hereditary breast ovarian cancer syndrome. Also called: Breast and ovarian cancer; BRCA1- and BRCA2-Associated Hereditary Breast and Ovarian Cancer; Hereditary breast and ovarian cancer; Hereditary breast and/or ovarian cancer syndrome; Hereditary breast and ovarian cancer syndrome; Hereditary breast and ovarian cancer syndrome (HBOC). Identifiers: Orphanet 145, MedGen C0677776, MeSH D061325, MONDO:0003582. Disease mechanism: loss of function.

Submission:

Labcorp Genetics (formerly Invitae), Labcorp
Classification: Uncertain significance for Hereditary breast ovarian cancer syndrome. Last evaluated: 2018-12-21. Review status: criteria provided, single submitter. Criteria: Invitae Variant Classification Sherloc (09022015). Collection method: clinical testing. Allele origin: germline.
Comment: In summary, the available evidence is currently insufficient to determine the role of this variant in disease. Therefore, it has been classified as a Variant of Uncertain Significance. Algorithms developed to predict the effect of missense changes on protein structure and function are either unavailable or do not agree on the potential impact of this missense change (SIFT: "Tolerated"; PolyPhen-2: "Possibly Damaging"; Align-GVGD: "Class C0"). This variant has not been reported in the literature in individuals with BRCA2-related conditions. This variant is not present in population databases (ExAC no frequency). This sequence change replaces glutamic acid with valine at codon 2343 of the BRCA2 protein (p.Glu2343Val). The glutamic acid residue is moderately conserved and there is a moderate physicochemical difference between glutamic acid and valine.